The following is an entry in ClinVar:

ClinVar aggregate classification (germline): Uncertain significance. Review status: criteria provided, multiple submitters, no conflicts (2 of 4 stars). 3 submissions from 3 submitters: Uncertain significance (3). Last evaluated 2023-10-03.

Conditions:
Muscular dystrophy-dystroglycanopathy (congenital with brain and eye anomalies), type A2. Also called: MUSCULAR DYSTROPHY-DYSTROGLYCANOPATHY (CONGENITAL WITH BRAIN AND EYE ANOMALIES), TYPE A, 2; WALKER-WARBURG SYNDROME OR MUSCLE-EYE-BRAIN DISEASE, POMT2-RELATED. Identifiers: Orphanet 588, Orphanet 899, MedGen C3150411, MONDO:0013154, OMIM 613150.
Muscular dystrophy-dystroglycanopathy (congenital with impaired intellectual development), type B, 2. Also called: Muscular dystrophy-dystroglycanopathy (congenital with intellectual disability), type B2; MUSCULAR DYSTROPHY, CONGENITAL, POMT2-RELATED. Identifiers: MedGen C3150416, MONDO:0013160, OMIM 613156.
Autosomal recessive limb-girdle muscular dystrophy type 2N. Also called: Muscular dystrophy-dystroglycanopathy (limb-girdle), type C, 2; MUSCULAR DYSTROPHY-DYSTROGLYCANOPATHY, LIMB-GIRDLE, POMT2-RELATED. Identifiers: Orphanet 206559, MedGen C3150418, MONDO:0013162, OMIM 613158.

Allele frequency attached by ClinVar (database versions not stated): gnomAD exomes 0.00002 and 0.00004; TOPMed below 0.00001; ExAC 0.00004.

Submissions (3):

Blueprint Genetics
Classification: Uncertain significance. Last evaluated: 2023-10-03. Review status: criteria provided, single submitter. Criteria: ACMG Guidelines, 2015. Collection method: clinical testing. Allele origin: germline.

Revvity Omics, Revvity
Classification: Uncertain significance. Last evaluated: 2023-05-25. Review status: criteria provided, single submitter. Criteria: ACMG Guidelines, 2015. Collection method: clinical testing. Allele origin: germline.

Labcorp Genetics (formerly Invitae), Labcorp
Classification: Uncertain significance for Muscular dystrophy-dystroglycanopathy (congenital with impaired intellectual development), type B, 2; Muscular dystrophy-dystroglycanopathy (congenital with brain and eye anomalies), type A2; Autosomal recessive limb-girdle muscular dystrophy type 2N. Last evaluated: 2021-09-01. Review status: criteria provided, single submitter. Criteria: Invitae Variant Classification Sherloc (09022015). Collection method: clinical testing. Allele origin: germline.
Comment: This sequence change replaces leucine with phenylalanine at codon 361 of the POMT2 protein (p.Leu361Phe). The leucine residue is highly conserved and there is a small physicochemical difference between leucine and phenylalanine. This variant is present in population databases (rs771509741, ExAC 0.03%). This variant has not been reported in the literature in individuals affected with POMT2-related conditions. Algorithms developed to predict the effect of missense changes on protein structure and function output the following: SIFT: "Deleterious"; PolyPhen-2: "Possibly Damaging"; Align-GVGD: "Class C0". The phenylalanine amino acid residue is found in multiple mammalian species, which suggests that this missense change does not adversely affect protein function. In summary, the available evidence is currently insufficient to determine the role of this variant in disease. Therefore, it has been classified as a Variant of Uncertain Significance.

NM_013382.7(POMT2):c.1081C>T (p.Leu361Phe)

Gene: POMT2 (protein O-mannosyltransferase 2; minus strand). Cytogenetic location: 14q24.3.
Variant type: single nucleotide variant.
Coding change: c.1081C>T on transcript NM_013382.7 (MANE Select); coding-DNA position 1081, C replaced by T.
Protein change: p.Leu361Phe; replaces leucine 361 with phenylalanine.
Molecular consequence: missense variant.
Genome position (GRCh38, 1-based): chr14:77,296,199, G>A on the plus strand (C>T on the coding strand, the complement: POMT2 is on the minus strand). VCF-style: chr14-77296199-G-A. GRCh37 (hg19) VCF-style: chr14-77762542-G-A.
Other names: short protein forms L361F.
Identifiers: ClinVar variation 945216 (VCV000945216.10), dbSNP rs771509741, ClinGen allele CA7285993.